The following is an entry in ClinVar:

ClinVar aggregate classification (germline): Uncertain significance (1 of 4 stars; one submission).

Conditions:
Familial hemiplegic migraine. Identifiers: MedGen C0338484, MONDO:0000700.

gnomAD v4.1: 1 of 1,614,170 alleles (0.000062%); highest among the groups gnomAD compares: African/African-American, 0.0013%; no homozygotes.

Submission:

Labcorp Genetics (formerly Invitae), Labcorp
Classification: Uncertain significance for Familial hemiplegic migraine. Last evaluated: 2025-01-29. Review status: criteria provided, single submitter. Criteria: Invitae Variant Classification Sherloc (09022015). Collection method: clinical testing. Allele origin: germline.
Comment: This sequence change replaces isoleucine, which is neutral and non-polar, with valine, which is neutral and non-polar, at codon 100 of the ATP1A2 protein (p.Ile100Val). This variant is not present in population databases (gnomAD no frequency). This variant has not been reported in the literature in individuals affected with ATP1A2-related conditions. Invitae Evidence Modeling of protein sequence and biophysical properties (such as structural, functional, and spatial information, amino acid conservation, physicochemical variation, residue mobility, and thermodynamic stability) indicates that this missense variant is not expected to disrupt ATP1A2 protein function with a negative predictive value of 80%. In summary, the available evidence is currently insufficient to determine the role of this variant in disease. Therefore, it has been classified as a Variant of Uncertain Significance.

NM_000702.4(ATP1A2):c.298A>G (p.Ile100Val)

Gene: ATP1A2 (ATPase Na+/K+ transporting subunit alpha 2; plus strand). Cytogenetic location: 1q23.2.
Variant type: single nucleotide variant.
Coding change: c.298A>G on transcript NM_000702.4 (MANE Select); coding-DNA position 298, A replaced by G.
Protein change: p.Ile100Val; replaces isoleucine 100 with valine.
Molecular consequence: missense variant.
Genome position (GRCh38, 1-based): chr1:160,123,333, A>G. VCF-style: chr1-160123333-A-G. GRCh37 (hg19) VCF-style: chr1-160093123-A-G.
Other names: short protein forms I100V.
Identifiers: ClinVar variation 3665860 (VCV003665860.2).
Genomic context (GRCh38, chr1:160,123,333, plus strand): 5'-CCACCTCCCACAACCCCTGAGTGGGTCAAGTTCTGCCGTCAGCTTTTCGGGGGGTTCTCC[A>G]TCCTGCTGTGGATTGGGGCTATCCTCTGCTTCCTGGCCTACGGCATCCAGGCTGCCATGG-3'
Protein context (NP_000693.1, residues 90-110): FCRQLFGGFS[Ile100Val]LLWIGAILCF